The following is an entry in ClinVar:

NM_000059.4(BRCA2):c.1855dup (p.Gln619fs)

Gene: BRCA2 (BRCA2 DNA repair associated; plus strand). Cytogenetic location: 13q13.1.
Variant type: Duplication.
Coding change: c.1855dup on transcript NM_000059.4 (MANE Select); coding-DNA position 1855, one base duplicated (C; older notation c.1855dupC).
Protein change: p.Gln619fs; shifts the reading frame from glutamine 619.
Molecular consequence: frameshift variant.
Genome position (GRCh38, 1-based): chr13:32,333,333, C duplicated; the last of 3 consecutive C bases (chr13:32,333,331-32,333,333); duplicating any one gives the same sequence. VCF-style (leftmost placement, unchanged base first): chr13-32333330-G-GC. GRCh37 (hg19) VCF-style: chr13-32907467-G-GC.
Other names: c.1855dupC (NM_000059.3); short protein forms Q619fs.
Identifiers: ClinVar variation 51217 (VCV000051217.3), dbSNP rs397507611, ClinGen allele CA013623.

ClinVar aggregate classification (germline): Pathogenic. Review status: reviewed by expert panel (3 of 4 stars). 2 submissions from 2 submitters: Pathogenic (1). 1 of the submissions does not count toward it. Last evaluated 2017-12-15.

Conditions:
Breast-ovarian cancer, familial, susceptibility to, 2 (BROVCA2). Also called: BRCA2 Hereditary Breast and Ovarian Cancer. Identifiers: Orphanet 145, MedGen C2675520, MONDO:0012933, OMIM 612555. Disease mechanism: loss of function.
Familial cancer of breast. Also called: BREAST CANCER, FAMILIAL; Hereditary breast cancer; hereditary breast carcinoma. Identifiers: Orphanet 227535, MedGen C0346153, MONDO:0016419, OMIM 114480. Disease mechanism: loss of function.

Submissions (2):

Evidence-based Network for the Interpretation of Germline Mutant Alleles (ENIGMA)
Classification: Pathogenic for Breast-ovarian cancer, familial, susceptibility to, 2. Last evaluated: 2017-12-15. Review status: reviewed by expert panel. Criteria: ENIGMA BRCA1/2 Classification Criteria (2017-06-29). Collection method: curation. Allele origin: germline. Study: ENIGMA.
Comment: Variant allele predicted to encode a truncated non-functional protein.

ClinVar Staff, National Center for Biotechnology Information (NCBI)
No classification provided. Condition: Familial cancer of breast. Review status: no classification provided. Collection method: literature only. Allele origin: germline. Affected: yes. Not counted in ClinVar's aggregate classification.

Literature cited by the submitters: PubMed 9654203 (cited by ClinVar Staff, National Center for Biotechnology Information (NCBI)).